The following is an entry in ClinVar:

NM_003073.5(SMARCB1):c.577A>G (p.Met193Val)

Gene: SMARCB1 (SWI/SNF related BAF chromatin remodeling complex subunit B1; plus strand). Cytogenetic location: 22q11.23.
Variant type: single nucleotide variant.
Coding change: c.577A>G on transcript NM_003073.5 (MANE Select); coding-DNA position 577, A replaced by G.
Protein change: p.Met193Val; replaces methionine 193 with valine.
Molecular consequence: missense variant.
Genome position (GRCh38, 1-based): chr22:23,803,371, A>G. VCF-style: chr22-23803371-A-G. GRCh37 (hg19) VCF-style: chr22-24145558-A-G.
Other names: c.550A>G, p.Met184Val (NM_001007468.3); c.604A>G, p.Met202Val (NM_001317946.2); c.631A>G, p.Met211Val (NM_001362877.2); short protein forms M184V, M193V, M202V, M211V.
Identifiers: ClinVar variation 3223084 (VCV003223084.2), dbSNP rs368791010, ClinGen allele CA322603760.

ClinVar aggregate classification (germline): Uncertain significance. Review status: criteria provided, multiple submitters, no conflicts (2 of 4 stars). 2 submissions from 2 submitters: Uncertain significance (2). Last evaluated 2025-11-10.

Conditions:
Hereditary cancer-predisposing syndrome. Also called: Tumor predisposition; Hereditary neoplastic syndrome; Hereditary Cancer Syndrome; Neoplastic Syndromes, Hereditary. Identifiers: Orphanet 140162, MedGen C0027672, MeSH D009386, MONDO:0015356.

Allele frequency attached by ClinVar (database versions not stated): gnomAD exomes below 0.00001; gnomAD 0.00001; ESP Exome Variant Server 0.00008.

Submissions (2):

Labcorp Genetics (formerly Invitae), Labcorp
Classification: Uncertain significance. Last evaluated: 2025-11-10. Review status: criteria provided, single submitter. Criteria: Invitae Variant Classification Sherloc (09022015). Collection method: clinical testing. Allele origin: germline.
Comment: This sequence change replaces methionine, which is neutral and non-polar, with valine, which is neutral and non-polar, at codon 193 of the SMARCB1 protein (p.Met193Val). This variant is present in population databases (rs368791010, gnomAD 0.007%). This variant has not been reported in the literature in individuals affected with SMARCB1-related conditions. ClinVar contains an entry for this variant (Variation ID: 3223084). Invitae Evidence Modeling of protein sequence and biophysical properties (such as structural, functional, and spatial information, amino acid conservation, physicochemical variation, residue mobility, and thermodynamic stability) indicates that this missense variant is not expected to disrupt SMARCB1 protein function with a negative predictive value of 80%. In summary, the available evidence is currently insufficient to determine the role of this variant in disease. Therefore, it has been classified as a Variant of Uncertain Significance.

Ambry Genetics
Classification: Uncertain significance for Hereditary cancer-predisposing syndrome. Last evaluated: 2024-01-23. Review status: criteria provided, single submitter. Criteria: Ambry Variant Classification Scheme 2023. Collection method: clinical testing. Allele origin: germline.
Comment: The p.M193V variant (also known as c.577A>G), located in coding exon 5 of the SMARCB1 gene, results from an A to G substitution at nucleotide position 577. The methionine at codon 193 is replaced by valine, an amino acid with highly similar properties. This amino acid position is highly conserved in available vertebrate species. In addition, this alteration is predicted to be deleterious by in silico analysis. Missense and in-frame variants in SMARCB1 are known to cause neurodevelopmental disorders; however, such associations with rhabdoid tumor predisposition syndrome are exceedingly rare (Kosho T et al. Am J Med Genet C Semin Med Genet. 2014 Sep;166C(3):262-75; Eaton KW et al. Pediatr Blood Cancer. 2011 Jan;56(1):7-15). Based on the available evidence, the clinical significance of this alteration remains unclear.